The following is an entry in ClinVar:

NM_005173.4(ATP2A3):c.2748C>T (p.Val916=)

Gene: ATP2A3 (ATPase sarcoplasmic/endoplasmic reticulum Ca2+ transporting 3; minus strand). Cytogenetic location: 17p13.2.
Variant type: single nucleotide variant.
Coding change: c.2748C>T on transcript NM_005173.4 (MANE Select); coding-DNA position 2748, C replaced by T.
Protein change: p.Val916=; no amino-acid change (valine 916 retained).
Molecular consequence: synonymous variant.
Genome position (GRCh38, 1-based): chr17:3,929,442, G>A on the plus strand (C>T on the coding strand, the complement: ATP2A3 is on the minus strand). VCF-style: chr17-3929442-G-A. GRCh37 (hg19) VCF-style: chr17-3832736-G-A.
Other names: c.2748C>T, p.Val916= (NM_174953.3, NM_174954.3, NM_174955.3 and 3 more transcripts).
Identifiers: ClinVar variation 3033499 (VCV003033499.2), dbSNP rs147054952, ClinGen allele CA8296737.

ClinVar aggregate classification (germline): Likely benign (0 of 4 stars; one submission).

Conditions:
ATP2A3-related disorder. Also called: ATP2A3-related condition.

Allele frequency attached by ClinVar (database versions not stated): gnomAD 0.00036; gnomAD exomes 0.00044; TOPMed 0.00058; 1000 Genomes Project 0.00120; 1000 Genomes Project 30x 0.00125; ExAC 0.00176.
gnomAD v4.1: 675 of 1,591,244 alleles (0.042%); highest among the groups gnomAD compares: East Asian, 1.5%; 9 homozygotes.

Submission:

PreventionGenetics, part of Exact Sciences
Classification: Likely benign for ATP2A3-related condition. Last evaluated: 2019-06-12. Review status: no assertion criteria provided. Collection method: clinical testing. Allele origin: germline.
Comment: This variant is classified as likely benign based on ACMG/AMP sequence variant interpretation guidelines (Richards et al. 2015 PMID: 25741868, with internal and published modifications).